The following is an entry in ClinVar:

NM_004544.4(NDUFA10):c.546G>A (p.Gln182=)

Gene: NDUFA10 (NADH:ubiquinone oxidoreductase subunit A10; minus strand). Cytogenetic location: 2q37.3.
Variant type: single nucleotide variant.
Coding change: c.546G>A on transcript NM_004544.4 (MANE Select); coding-DNA position 546, G replaced by A.
Protein change: p.Gln182=; no amino-acid change (glutamine 182 retained).
Molecular consequence: synonymous variant. On other transcripts: non-coding transcript variant (4).
Genome position (GRCh38, 1-based): chr2:240,018,554, C>T on the plus strand (G>A on the coding strand, the complement: NDUFA10 is on the minus strand). VCF-style: chr2-240018554-C-T. GRCh37 (hg19) VCF-style: chr2-240957971-C-T.
Other names: c.546G>A, p.Gln182= (NM_001322019.2, NM_001322020.2, NM_001410987.1).
Identifiers: ClinVar variation 4768762 (VCV004768762.1).
Genomic context (GRCh38, chr2:240,018,554, plus strand): 5'-TCACAGCCCTTGCAAAGTCGCACCACACACCCAGAAGTGGGTCTGCAATGCTGACTCACA[C>T]TGCTTTCGGATGAATCCCTGGTTGTACATCGCCTCCAGGAACACAAAGTCACTGAAGATG-3'
Protein context (NP_004535.1, residues 172-192): AMYNQGFIRK[Gln182=]CVDHYNEVKS

ClinVar aggregate classification (germline): Uncertain significance (1 of 4 stars; one submission).

gnomAD v4.1: 6 of 1,614,228 alleles (0.00037%); highest among the groups gnomAD compares: Non-Finnish European, 0.00051%; no homozygotes.

Submission:

Labcorp Genetics (formerly Invitae), Labcorp
Classification: Uncertain significance. Last evaluated: 2025-05-22. Review status: criteria provided, single submitter. Criteria: Invitae Variant Classification Sherloc (09022015). Collection method: clinical testing. Allele origin: germline.
Comment: This sequence change affects codon 182 of the NDUFA10 mRNA. It is a 'silent' change, meaning that it does not change the encoded amino acid sequence of the NDUFA10 protein. It affects a nucleotide within the consensus splice site. This variant is present in population databases (rs772467609, gnomAD 0.0009%). This variant has not been reported in the literature in individuals affected with NDUFA10-related conditions. Algorithms developed to predict the effect of sequence changes on RNA splicing suggest that this variant is not likely to affect RNA splicing. In summary, the available evidence is currently insufficient to determine the role of this variant in disease. Therefore, it has been classified as a Variant of Uncertain Significance.